The following is an entry in ClinVar:

ClinVar aggregate classification (germline): Uncertain significance (1 of 4 stars; one submission).

Allele frequency attached by ClinVar (database versions not stated): gnomAD exomes below 0.00001; gnomAD 0.00002; TOPMed 0.00003.
gnomAD v4.1: 9 of 1,614,064 alleles (0.00056%); highest among the groups gnomAD compares: African/African-American, 0.0067%; no homozygotes.

Submission:

Labcorp Genetics (formerly Invitae), Labcorp
Classification: Uncertain significance. Last evaluated: 2025-06-12. Review status: criteria provided, single submitter. Criteria: Invitae Variant Classification Sherloc (09022015). Collection method: clinical testing. Allele origin: germline.
Comment: This sequence change replaces threonine, which is neutral and polar, with serine, which is neutral and polar, at codon 587 of the BNC2 protein (p.Thr587Ser). This variant is present in population databases (no rsID available, gnomAD 0.01%). This variant has not been reported in the literature in individuals affected with BNC2-related conditions. ClinVar contains an entry for this variant (Variation ID: 2413696). An algorithm developed to predict the effect of missense changes on protein structure and function (PolyPhen-2) suggests that this variant is likely to be tolerated. In summary, the available evidence is currently insufficient to determine the role of this variant in disease. Therefore, it has been classified as a Variant of Uncertain Significance.

NM_017637.6(BNC2):c.1760C>G (p.Thr587Ser)

Genes: BNC2 (basonuclin zinc finger protein 2; minus strand), LOC126860585 (MED14-independent group 3 enhancer GRCh37_chr9:16435259-16436458; plus strand). Cytogenetic location: 9p22.3.
Variant type: single nucleotide variant.
Coding change: c.1760C>G on transcript NM_017637.6 (MANE Select); coding-DNA position 1760, C replaced by G.
Protein change: p.Thr587Ser; replaces threonine 587 with serine.
Molecular consequence: missense variant.
Genome position (GRCh38, 1-based): chr9:16,436,434, G>C on the plus strand (C>G on the coding strand, the complement: BNC2 is on the minus strand). VCF-style: chr9-16436434-G-C. GRCh37 (hg19) VCF-style: chr9-16436432-G-C.
Other names: c.1634C>G, p.Thr545Ser (NM_001317939.2); c.1475C>G, p.Thr492Ser (NM_001317940.2); short protein forms T492S, T545S, T587S.
Identifiers: ClinVar variation 2413696 (VCV002413696.7), dbSNP rs1405776484, ClinGen allele CA372992649.